The following is an entry in ClinVar:

ClinVar aggregate classification (germline): Uncertain significance. Review status: criteria provided, multiple submitters, no conflicts (2 of 4 stars). 2 submissions from 2 submitters: Uncertain significance (2). Last evaluated 2025-09-10.

Conditions:
Shukla-Vernon syndrome. Identifiers: MedGen C5193146, MONDO:0026727, OMIM 301029.

Allele frequency attached by ClinVar (database versions not stated): ExAC 0.00001.

Submissions (2):

Genomic Medicine Center of Excellence, King Faisal Specialist Hospital and Research Centre
Classification: Uncertain significance for Shukla-Vernon syndrome. Last evaluated: 2025-09-10. Review status: criteria provided, single submitter. Criteria: ACMG Guidelines, 2015. Collection method: clinical testing. Allele origin: germline.

Genetics and Molecular Pathology, SA Pathology
Classification: Uncertain significance for Shukla-Vernon syndrome. Last evaluated: 2023-03-23. Review status: criteria provided, single submitter. Criteria: ACMG Guidelines, 2015. Collection method: clinical testing. Allele origin: germline. Inheritance: X-linked recessive inheritance. Affected: yes.
Comment: The BCORL1 c.5041C>T variant is classified as VUS (PM2) The BCORL1 c.5041C>T variant is a single nucleotide change in exon 13/14 of the BCORL1 gene, which is predicted to change the amino acid proline at position 1681 in the protein to serine. This variant is absent from population databases (PM2). The variant has been reported in dbSNP (rs755547824). It has not been reported in ClinVar or HGMD.

NM_001379451.1(BCORL1):c.5041C>T (p.Pro1681Ser)

Gene: BCORL1 (BCL6 corepressor like 1; plus strand). Cytogenetic location: Xq26.1.
Variant type: single nucleotide variant.
Coding change: c.5041C>T on transcript NM_001379451.1 (MANE Select); coding-DNA position 5041, C replaced by T.
Protein change: p.Pro1681Ser; replaces proline 1681 with serine.
Molecular consequence: missense variant.
Genome position (GRCh38, 1-based): chrX:130,051,982, C>T. VCF-style: chrX-130051982-C-T. GRCh37 (hg19) VCF-style: chrX-129185957-C-T.
Other names: c.5041C>T, p.Pro1681Ser (NM_001184772.3, NM_001379450.1); c.4819C>T, p.Pro1607Ser (NM_021946.5); short protein forms P1607S, P1681S.
Identifiers: ClinVar variation 2664786 (VCV002664786.2), dbSNP rs755547824, ClinGen allele CA10514793.